The following is an entry in ClinVar:

ClinVar aggregate classification (germline): Uncertain significance. Review status: criteria provided, multiple submitters, no conflicts (2 of 4 stars). 2 submissions from 2 submitters: Uncertain significance (2). Last evaluated 2026-02-20.

Conditions:
Charcot-Marie-Tooth disease dominant intermediate F. Identifiers: Orphanet 352670, MedGen C4749463, MONDO:0014074, OMIM 615185.

Allele frequency attached by ClinVar (database versions not stated): ExAC 0.00001; gnomAD 0.00002; gnomAD exomes below 0.00001 and 0.00001; TOPMed 0.00002.
gnomAD v4.1: 20 of 1,613,754 alleles (0.0012%); highest among the groups gnomAD compares: Admixed American, 0.0033%; no homozygotes.

Submissions (2):

GeneDx
Classification: Uncertain significance. Last evaluated: 2026-02-20. Review status: criteria provided, single submitter. Criteria: GeneDx Variant Classification Process June 2021. Collection method: clinical testing. Allele origin: germline.
Comment: In silico analysis supports that this missense variant has a deleterious effect on protein structure/function; Has not been previously published as pathogenic or benign to our knowledge

Labcorp Genetics (formerly Invitae), Labcorp
Classification: Uncertain significance for Charcot-Marie-Tooth disease dominant intermediate F. Last evaluated: 2025-12-16. Review status: criteria provided, single submitter. Criteria: Invitae Variant Classification Sherloc (09022015). Collection method: clinical testing. Allele origin: germline.
Comment: This sequence change replaces arginine, which is basic and polar, with tryptophan, which is neutral and slightly polar, at codon 251 of the GNB4 protein (p.Arg251Trp). The frequency data for this variant in the population databases is considered unreliable, as metrics indicate poor data quality at this position in the gnomAD database. This variant has not been reported in the literature in individuals affected with GNB4-related conditions. ClinVar contains an entry for this variant (Variation ID: 1428077). Invitae Evidence Modeling of protein sequence and biophysical properties (such as structural, functional, and spatial information, amino acid conservation, physicochemical variation, residue mobility, and thermodynamic stability) indicates that this missense variant is expected to disrupt GNB4 protein function with a positive predictive value of 95%. In summary, the available evidence is currently insufficient to determine the role of this variant in disease. Therefore, it has been classified as a Variant of Uncertain Significance.

NM_021629.4(GNB4):c.751C>T (p.Arg251Trp)

Gene: GNB4 (G protein subunit beta 4; minus strand). Cytogenetic location: 3q26.33.
Variant type: single nucleotide variant.
Coding change: c.751C>T on transcript NM_021629.4 (MANE Select); coding-DNA position 751, C replaced by T.
Protein change: p.Arg251Trp; replaces arginine 251 with tryptophan.
Molecular consequence: missense variant.
Genome position (GRCh38, 1-based): chr3:179,405,355, G>A on the plus strand (C>T on the coding strand, the complement: GNB4 is on the minus strand). VCF-style: chr3-179405355-G-A. GRCh37 (hg19) VCF-style: chr3-179123143-G-A.
Other names: c.751C>T (NM_021629.3); short protein forms R251W.
Identifiers: ClinVar variation 1428077 (VCV001428077.10), dbSNP rs756270613, ClinGen allele CA2712418.
Genomic context (GRCh38, chr3:179,405,355, plus strand): 5'-AGATGATATTGTCATGAGAATACAATAATAACTCTTGATCTGCACGAAGGTCAAAGAGCC[G>A]GCAAGTGGCATCATCAGAGCCAGTGGCGAAGGCATATCCATTTGGGAAAAACTAGACAGG-3'
Protein context (NP_067642.1, residues 241-261): FATGSDDATC[Arg251Trp]LFDLRADQEL